The following is an entry in ClinVar:

ClinVar aggregate classification (germline): Benign. Review status: criteria provided, multiple submitters, no conflicts (2 of 4 stars). 2 submissions from 2 submitters: Benign (2). Last evaluated 2018-06-16.

Allele frequency attached by ClinVar (database versions not stated): gnomAD exomes 0.39643; gnomAD 0.45812 and 0.46040; TOPMed 0.46908; 1000 Genomes Project 30x 0.58073; 1000 Genomes Project 0.58247.
gnomAD v4.1: 278,362 of 678,490 alleles (41%); highest among the groups gnomAD compares: East Asian, 86%; 65,593 homozygotes.

Submissions (2):

GeneDx
Classification: Benign. Last evaluated: 2018-06-16. Review status: criteria provided, single submitter. Criteria: GeneDx Variant Classification (06012015). Collection method: clinical testing. Allele origin: germline. Affected: yes.
Comment: This variant is considered likely benign or benign based on one or more of the following criteria: it is a conservative change, it occurs at a poorly conserved position in the protein, it is predicted to be benign by multiple in silico algorithms, and/or has population frequency not consistent with disease.

Breakthrough Genomics
Classification: Benign. Review status: criteria provided, single submitter. Criteria: ACMG Guidelines, 2015. Collection method: not provided. Allele origin: germline. Inheritance: Autosomal dominant inheritance. Affected: yes.

NM_017617.5(NOTCH1):c.1556-133A>G

Gene: NOTCH1 (notch receptor 1; minus strand). Cytogenetic location: 9q34.3.
Variant type: single nucleotide variant.
Coding change: c.1556-133A>G on transcript NM_017617.5 (MANE Select); 133 bases into the intron before coding-DNA position 1556, A replaced by G.
Molecular consequence: intron variant.
Genome position (GRCh38, 1-based): chr9:136,516,227, T>C on the plus strand (A>G on the coding strand, the complement: NOTCH1 is on the minus strand). VCF-style: chr9-136516227-T-C. GRCh37 (hg19) VCF-style: chr9-139410679-T-C.
Identifiers: ClinVar variation 678552 (VCV000678552.2), dbSNP rs4880100, ClinGen allele CA13022449.
Genomic context (GRCh38, chr9:136,516,227, plus strand): 5'-CCCCAGCAGTGAGCGCCTGGCTGGGCTCCCCAGGGCACACTCAGCCTGAGCTCAGCCAGC[T>C]CCAGCTCTCCCTGCCTCCCGCTGCCCGCTCCCCGGATCAAAGCCCCTCCCCCAGCACCAC-3'